The following is an entry in ClinVar:

ClinVar aggregate classification (germline): Pathogenic (1 of 4 stars; one submission).

Submission:

GeneDx
Classification: Pathogenic. Last evaluated: 2023-07-31. Review status: criteria provided, single submitter. Criteria: GeneDx Variant Classification Process June 2021. Collection method: clinical testing. Allele origin: germline. Affected: yes.
Comment: Frameshift variant predicted to result in protein truncation or nonsense mediated decay in a gene for which loss-of-function is a known mechanism of disease; Not observed at significant frequency in large population cohorts (gnomAD); Has not been previously published as pathogenic or benign to our knowledge

NM_006940.6(SOX5):c.1337_1338dup (p.Ile447fs)

Gene: SOX5 (SRY-box transcription factor 5; minus strand). Cytogenetic location: 12p12.1.
Variant type: Microsatellite.
Coding change: c.1337_1338dup on transcript NM_006940.6 (MANE Select); coding-DNA positions 1337 to 1338, 2 bases duplicated (CA; older notation c.1337_1338dupCA).
Protein change: p.Ile447fs; shifts the reading frame from isoleucine 447.
Molecular consequence: frameshift variant. On other transcripts: intron variant (1).
Genome position (GRCh38, 1-based): chr12:23,575,665-23,575,666, TG duplicated on the plus strand (CA on the coding strand, the reverse complement: SOX5 is on the minus strand); duplicating any 2 consecutive bases within chr12:23,575,665-23,575,668 gives the same sequence; the c. name uses the placement nearest the transcript's 3' end. VCF-style (leftmost placement, unchanged base first): chr12-23575664-T-TTG. GRCh37 (hg19) VCF-style: chr12-23728598-T-TTG.
Other names: c.1307_1308dup, p.Ile437fs (NM_001261415.3); c.1232_1233dup, p.Ile412fs (NM_001330785.2); c.1298_1299dup, p.Ile434fs (NM_152989.5); c.179_180dup, p.Ile61fs (NM_178010.4); c.1125+28719CA[3] (NM_001261414.3); short protein forms I412fs, I434fs, I437fs, I447fs, I61fs.
Identifiers: ClinVar variation 2574979 (VCV002574979.1), dbSNP rs2548148441, ClinGen allele CA2580615151.
Genomic context (GRCh38, chr12:23,575,664, plus strand): 5'-ATTCCATTCAATAGCCATAAACAGAAAATCAGCAAGAACAAAAGAAACAGAACTTACCTA[T>TTG]TGTGCTAACTCTGGCTGAAGGACTAGCTAACGCTGCTGGGACAGAGGCTTTGAGGGGGCC-3'